The following is an entry in ClinVar:

ClinVar aggregate classification (germline): Uncertain significance. Review status: criteria provided, multiple submitters, no conflicts (2 of 4 stars). 4 submissions from 4 submitters: Uncertain significance (4). Last evaluated 2024-02-29.

Conditions:
Inborn genetic diseases. Identifiers: MedGen C0950123, MeSH D030342.
Developmental and epileptic encephalopathy. Identifiers: MedGen C5779964, MONDO:0100620.
Early Myoclonic Encephalopathy. Identifiers: MedGen C0270855.

Allele frequency attached by ClinVar (database versions not stated): gnomAD exomes 0.00004; ExAC 0.00012; TOPMed 0.00003; gnomAD 0.00007; 1000 Genomes Project 30x 0.00016; 1000 Genomes Project 0.00020.
gnomAD v4.1: 78 of 1,598,200 alleles (0.0049%); highest among the groups gnomAD compares: Middle Eastern, 0.019%; no homozygotes.

Submissions (4):

GeneDx
Classification: Uncertain significance. Last evaluated: 2024-02-29. Review status: criteria provided, single submitter. Criteria: GeneDx Variant Classification Process June 2021. Collection method: clinical testing. Allele origin: germline. Affected: yes.
Comment: Not observed at significant frequency in large population cohorts (gnomAD); In silico analysis supports that this missense variant has a deleterious effect on protein structure/function; Has not been previously published as pathogenic or benign to our knowledge

Labcorp Genetics (formerly Invitae), Labcorp
Classification: Uncertain significance for Early-infantile DEE. Last evaluated: 2022-09-12. Review status: criteria provided, single submitter. Criteria: Invitae Variant Classification Sherloc (09022015). Collection method: clinical testing. Allele origin: germline.
Comment: This sequence change replaces glycine, which is neutral and non-polar, with serine, which is neutral and polar, at codon 42 of the SLC25A22 protein (p.Gly42Ser). This variant is present in population databases (rs535927522, gnomAD 0.008%). This variant has not been reported in the literature in individuals affected with SLC25A22-related conditions. ClinVar contains an entry for this variant (Variation ID: 207159). Algorithms developed to predict the effect of missense changes on protein structure and function (SIFT, PolyPhen-2, Align-GVGD) all suggest that this variant is likely to be disruptive. In summary, the available evidence is currently insufficient to determine the role of this variant in disease. Therefore, it has been classified as a Variant of Uncertain Significance.

Ambry Genetics
Classification: Uncertain significance for Inborn genetic diseases. Last evaluated: 2021-06-18. Review status: criteria provided, single submitter. Criteria: Ambry Variant Classification Scheme 2023. Collection method: clinical testing. Allele origin: germline.

Fulgent Genetics
Classification: Uncertain significance for Developmental and epileptic encephalopathy, 3. Last evaluated: 2018-10-31. Review status: criteria provided, single submitter. Criteria: ACMG Guidelines, 2015. Collection method: clinical testing. Allele origin: unknown.

NM_001191061.2(SLC25A22):c.124G>A (p.Gly42Ser)

Gene: SLC25A22 (solute carrier family 25 member 22; minus strand). Cytogenetic location: 11p15.5.
Variant type: single nucleotide variant.
Coding change: c.124G>A on transcript NM_001191061.2 (MANE Select); coding-DNA position 124, G replaced by A.
Protein change: p.Gly42Ser; replaces glycine 42 with serine.
Molecular consequence: missense variant.
Genome position (GRCh38, 1-based): chr11:794,798, C>T on the plus strand (G>A on the coding strand, the complement: SLC25A22 is on the minus strand). VCF-style: chr11-794798-C-T. GRCh37 (hg19) VCF-style: chr11-794798-C-T.
Other names: p.G42S:GGC>AGC; c.124G>A, p.Gly42Ser (NM_001191060.2, NM_024698.6); short protein forms G42S.
Identifiers: ClinVar variation 207159 (VCV000207159.16), dbSNP rs535927522, ClinGen allele CA318357.